The following is an entry in ClinVar:

NM_178140.4(PDZD2):c.4029C>A (p.Asp1343Glu)

Gene: PDZD2 (PDZ domain containing 2; plus strand). Cytogenetic location: 5p13.3.
Variant type: single nucleotide variant.
Coding change: c.4029C>A on transcript NM_178140.4 (MANE Select); coding-DNA position 4029, C replaced by A.
Protein change: p.Asp1343Glu; replaces aspartic acid 1343 with glutamic acid.
Molecular consequence: missense variant.
Genome position (GRCh38, 1-based): chr5:32,087,477, C>A. VCF-style: chr5-32087477-C-A. GRCh37 (hg19) VCF-style: chr5-32087583-C-A.
Other names: short protein forms D1343E.
Identifiers: ClinVar variation 3060569 (VCV003060569.2), dbSNP rs12520467, ClinGen allele CA3219630.
Genomic context (GRCh38, chr5:32,087,477, plus strand): 5'-CAGGGGAGCGGGACCTGGAGCAGAGGGAATGACACCAGCTGGTGCTGTCCTGCCAGGAGA[C>A]CCCCTCACATCCCAGGAGCAGAGACAGGGAGCTCCAGGTAACCACAGTAAGGCTCTGGAA-3'
Protein context (NP_835260.2, residues 1333-1353): MTPAGAVLPG[Asp1343Glu]PLTSQEQRQG

ClinVar aggregate classification (germline): Benign (0 of 4 stars; one submission).

Conditions:
PDZD2-related disorder. Also called: PDZD2-related condition.

Allele frequency attached by ClinVar (database versions not stated): ESP Exome Variant Server 0.00062; 1000 Genomes Project 30x 0.01031; 1000 Genomes Project 0.01058.
gnomAD v4.1: 5,873 of 1,613,470 alleles (0.36%); highest among the groups gnomAD compares: Admixed American, 6.7%; 205 homozygotes.

Submission:

PreventionGenetics, part of Exact Sciences
Classification: Benign for PDZD2-related condition. Last evaluated: 2019-06-13. Review status: no assertion criteria provided. Collection method: clinical testing. Allele origin: germline.
Comment: This variant is classified as benign based on ACMG/AMP sequence variant interpretation guidelines (Richards et al. 2015 PMID: 25741868, with internal and published modifications).